The following is an entry in ClinVar:

NM_003072.5(SMARCA4):c.4803_4804delinsC (p.Lys1602fs)

Gene: SMARCA4 (SWI/SNF related BAF chromatin remodeling complex subunit ATPase 4; plus strand). Cytogenetic location: 19p13.2.
Variant type: Indel.
Coding change: c.4803_4804delinsC on transcript NM_003072.5 (MANE Select); coding-DNA positions 4803 to 4804, GA replaced by C.
Protein change: p.Lys1602fs; shifts the reading frame from lysine 1602.
Molecular consequence: frameshift variant. On other transcripts: non-coding transcript variant (1).
Genome position (GRCh38, 1-based): chr19:11,060,079-11,060,080, GA replaced by C. VCF-style: chr19-11060079-GA-C. GRCh37 (hg19) VCF-style: chr19-11170755-GA-C.
Other names: c.4803_4804delinsC, p.Lys1602fs (NM_001128844.3); c.4713_4714delinsC, p.Lys1572fs (NM_001128845.2); c.4710_4711delinsC, p.Lys1571fs (NM_001128846.2); c.4704_4705delinsC, p.Lys1569fs (NM_001128847.4, NM_001374457.1); c.4701_4702delinsC, p.Lys1568fs (NM_001128848.2); c.4899_4900delinsC, p.Lys1634fs (NM_001128849.3, NM_001387283.1); c.4800_4801delinsC, p.Lys1601fs (NM_001411150.1); short protein forms K1572fs, K1634fs, K1601fs, K1602fs, K1568fs, K1569fs, K1571fs.
Identifiers: ClinVar variation 4998782 (VCV004998782.1).

ClinVar aggregate classification (germline): Likely pathogenic (1 of 4 stars; one submission).

Conditions:
SMARCA4-related disorder. Also called: SMARCA4-related condition.

Submission:

PreventionGenetics, part of Exact Sciences
Classification: Likely pathogenic for SMARCA4-related condition. Last evaluated: 2026-02-04. Review status: criteria provided, single submitter. Criteria: ACMG Guidelines, 2015. Collection method: clinical testing. Allele origin: germline.
Comment: The SMARCA4 c.4899_4900delinsC variant is predicted to result in a frameshift and premature protein termination (p.Lys1634Argfs*8). To our knowledge, this variant has not been reported in the literature or in a large population database (gnomAD), indicating this variant is rare. At the time of reporting this variant had not been interpreted in ClinVar. This variant is located in the penultimate exon, however it is expected to lead to premature termination and loss-of-function via nonsense mediated mRNA decay. Loss-of-function variants in SMARCA4 are associated with autosomal dominant rhabdoid tumor predisposition syndrome including small cell carcinoma of the ovary-hypercalcemic type (SCCOHT), whereas missense gain-of-function variants are linked to Coffin-Siris syndrome (Nemes et al. 2022.; Vergano et al. 2025.). Therefore, this variant is interpreted as likely pathogenic for rhabdoid tumor predisposition syndrome, but remains uncertain for association with Coffin-Siris syndrome due to the absence of conclusive functional and genetic evidence.